The following is an entry in ClinVar:

ClinVar aggregate classification (germline): Uncertain significance (1 of 4 stars; one submission).

Submission:

Labcorp Genetics (formerly Invitae), Labcorp
Classification: Uncertain significance. Last evaluated: 2022-03-22. Review status: criteria provided, single submitter. Criteria: Invitae Variant Classification Sherloc (09022015). Collection method: clinical testing. Allele origin: germline.
Comment: This sequence change replaces serine, which is neutral and polar, with cysteine, which is neutral and slightly polar, at codon 274 of the CNNM4 protein (p.Ser274Cys). This variant is not present in population databases (gnomAD no frequency). This variant has not been reported in the literature in individuals affected with CNNM4-related conditions. Algorithms developed to predict the effect of missense changes on protein structure and function are either unavailable or do not agree on the potential impact of this missense change (SIFT: "Tolerated"; PolyPhen-2: "Possibly Damaging"; Align-GVGD: "Class C0"). In summary, the available evidence is currently insufficient to determine the role of this variant in disease. Therefore, it has been classified as a Variant of Uncertain Significance.

NM_020184.4(CNNM4):c.821C>G (p.Ser274Cys)

Gene: CNNM4 (cyclin and CBS domain divalent metal cation transport mediator 4; plus strand). Cytogenetic location: 2q11.2.
Variant type: single nucleotide variant.
Coding change: c.821C>G on transcript NM_020184.4 (MANE Select); coding-DNA position 821, C replaced by G.
Protein change: p.Ser274Cys; replaces serine 274 with cysteine.
Molecular consequence: missense variant.
Genome position (GRCh38, 1-based): chr2:96,761,820, C>G. VCF-style: chr2-96761820-C-G. GRCh37 (hg19) VCF-style: chr2-97427557-C-G.
Other names: short protein forms S274C.
Identifiers: ClinVar variation 2115739 (VCV002115739.4), dbSNP rs2469454558, ClinGen allele CA347715157.
Genomic context (GRCh38, chr2:96,761,820, plus strand): 5'-ACACCTCCCTCACAATCCTTCTAGACAACCTCATCGGGTCCGGCCTCATGGCGGTGGCCT[C>G]CTCCACCATTGGCATTGTCATCTTTGGGGAGATCCTACCTCAGGCCCTGTGCTCCCGACA-3'
Protein context (NP_064569.3, residues 264-284): LIGSGLMAVA[Ser274Cys]STIGIVIFGE